The following is an entry in ClinVar:

NM_194248.3(OTOF):c.5160G>A (p.Thr1720=)

Genes: OTOF (otoferlin; minus strand), LOC112840921 (BRD4-independent group 4 enhancer GRCh37_chr2:26685720-26686919; plus strand). Cytogenetic location: 2p23.3.
Variant type: single nucleotide variant.
Coding change: c.5160G>A on transcript NM_194248.3 (MANE Select); coding-DNA position 5160, G replaced by A.
Protein change: p.Thr1720=; no amino-acid change (threonine 1720 retained).
Molecular consequence: synonymous variant.
Genome position (GRCh38, 1-based): chr2:26,463,515, C>T on the plus strand (G>A on the coding strand, the complement: OTOF is on the minus strand). VCF-style: chr2-26463515-C-T. GRCh37 (hg19) VCF-style: chr2-26686383-C-T.
Other names: c.5160G>A, p.Thr1720= (NM_001287489.2); c.2859G>A, p.Thr953= (NM_004802.4, NM_194323.3); c.3090G>A, p.Thr1030= (NM_194322.3).
Identifiers: ClinVar variation 681904 (VCV000681904.5), dbSNP rs142796386, ClinGen allele CA1562915.

ClinVar aggregate classification (germline): Benign/Likely benign. Review status: criteria provided, multiple submitters, no conflicts (2 of 4 stars). 3 submissions from 3 submitters: Benign (2); Likely benign (1). Last evaluated 2024-06-06.

Allele frequency attached by ClinVar (database versions not stated): gnomAD exomes 0.00005 and 0.00010; ExAC 0.00008; ESP Exome Variant Server 0.00008; TOPMed 0.00008; gnomAD 0.00009.
gnomAD v4.1: 89 of 1,608,350 alleles (0.0055%); highest among the groups gnomAD compares: Admixed American, 0.0067%; no homozygotes.

Submissions (3):

Blueprint Genetics
Classification: Benign. Last evaluated: 2024-06-06. Review status: criteria provided, single submitter. Criteria: ACMG Guidelines, 2015. Collection method: clinical testing. Allele origin: germline.

Labcorp Genetics (formerly Invitae), Labcorp
Classification: Benign. Last evaluated: 2024-04-09. Review status: criteria provided, single submitter. Criteria: Invitae Variant Classification Sherloc (09022015). Collection method: clinical testing. Allele origin: germline.

GeneDx
Classification: Likely benign. Last evaluated: 2018-04-20. Review status: criteria provided, single submitter. Criteria: GeneDx Variant Classification (06012015). Collection method: clinical testing. Allele origin: germline. Affected: yes.
Comment: This variant is considered likely benign or benign based on one or more of the following criteria: it is a conservative change, it occurs at a poorly conserved position in the protein, it is predicted to be benign by multiple in silico algorithms, and/or has population frequency not consistent with disease.